The following is an entry in ClinVar:

NM_032603.5(LOXL3):c.1453G>T (p.Val485Leu)

Gene: LOXL3 (lysyl oxidase like 3; minus strand). Cytogenetic location: 2p13.1.
Variant type: single nucleotide variant.
Coding change: c.1453G>T on transcript NM_032603.5 (MANE Select); coding-DNA position 1453, G replaced by T.
Protein change: p.Val485Leu; replaces valine 485 with leucine.
Molecular consequence: missense variant.
Genome position (GRCh38, 1-based): chr2:74,535,418, C>A on the plus strand (G>T on the coding strand, the complement: LOXL3 is on the minus strand). VCF-style: chr2-74535418-C-A. GRCh37 (hg19) VCF-style: chr2-74762545-C-A.
Other names: c.1018G>T, p.Val340Leu (NM_001289164.3); c.370G>T, p.Val124Leu (NM_001289165.2); short protein forms V124L, V340L, V485L.
Identifiers: ClinVar variation 4764647 (VCV004764647.1).

ClinVar aggregate classification (germline): Uncertain significance (1 of 4 stars; one submission).

gnomAD v4.1: 1 of 1,614,090 alleles (0.000062%); highest among the groups gnomAD compares: Middle Eastern, 0.016%; no homozygotes.

Submission:

Labcorp Genetics (formerly Invitae), Labcorp
Classification: Uncertain significance. Last evaluated: 2025-12-30. Review status: criteria provided, single submitter. Criteria: Invitae Variant Classification Sherloc (09022015). Collection method: clinical testing. Allele origin: germline.
Comment: This sequence change replaces valine, which is neutral and non-polar, with leucine, which is neutral and non-polar, at codon 485 of the LOXL3 protein (p.Val485Leu). This variant is not present in population databases (gnomAD no frequency). This variant has not been reported in the literature in individuals affected with LOXL3-related conditions. An algorithm developed to predict the effect of missense changes on protein structure and function outputs the following: PolyPhen-2: "Benign". The leucine amino acid residue is found in multiple mammalian species, which suggests that this missense change does not adversely affect protein function. In summary, the available evidence is currently insufficient to determine the role of this variant in disease. Therefore, it has been classified as a Variant of Uncertain Significance.